The following is an entry in ClinVar:

NM_000089.4(COL1A2):c.2798A>G (p.Asp933Gly)

Gene: COL1A2 (collagen type I alpha 2 chain; plus strand). Cytogenetic location: 7q21.3.
Variant type: single nucleotide variant.
Coding change: c.2798A>G on transcript NM_000089.4 (MANE Select); coding-DNA position 2798, A replaced by G.
Protein change: p.Asp933Gly; replaces aspartic acid 933 with glycine.
Molecular consequence: missense variant.
Genome position (GRCh38, 1-based): chr7:94,425,626, A>G. VCF-style: chr7-94425626-A-G. GRCh37 (hg19) VCF-style: chr7-94054938-A-G.
Other names: short protein forms D933G.
Identifiers: ClinVar variation 4794599 (VCV004794599.1).

ClinVar aggregate classification (germline): Uncertain significance (1 of 4 stars; one submission).

Conditions:
Ehlers-Danlos syndrome, classic type, 1 (EDSCL1). Also called: EHLERS-DANLOS SYNDROME, GRAVIS TYPE; EHLERS-DANLOS SYNDROME, SEVERE CLASSIC TYPE; Ehlers-Danlos syndrome, type 1; Ehlers-Danlos Syndrome, Classic Type, COL5A1-Related; EDS I. Identifiers: MedGen C0268335, MONDO:0019567, OMIM 130000.
Osteogenesis imperfecta type I (OI1). Also called: OI, TYPE I; OSTEOGENESIS IMPERFECTA TARDA; OSTEOGENESIS IMPERFECTA WITH BLUE SCLERAE; Osteogenesis imperfecta type 1; Lobstein's Disease; Lobstein disease. Identifiers: Orphanet 216796, Orphanet 666, MedGen C0023931, MONDO:0008146, OMIM 166200. Disease mechanism: loss of function.

gnomAD v4.1: 6 of 1,613,974 alleles (0.00037%); highest among the groups gnomAD compares: Admixed American, 0.0017%; no homozygotes.

Submission:

Labcorp Genetics (formerly Invitae), Labcorp
Classification: Uncertain significance for Osteogenesis imperfecta type I; Ehlers-Danlos syndrome, classic type, 1. Last evaluated: 2025-07-05. Review status: criteria provided, single submitter. Criteria: Invitae Variant Classification Sherloc (09022015). Collection method: clinical testing. Allele origin: germline.
Comment: This sequence change replaces aspartic acid, which is acidic and polar, with glycine, which is neutral and non-polar, at codon 933 of the COL1A2 protein (p.Asp933Gly). This variant is not present in population databases (gnomAD no frequency). This variant has not been reported in the literature in individuals affected with COL1A2-related conditions. Invitae Evidence Modeling of protein sequence and biophysical properties (such as structural, functional, and spatial information, amino acid conservation, physicochemical variation, residue mobility, and thermodynamic stability) indicates that this missense variant is expected to disrupt COL1A2 protein function with a positive predictive value of 80%. In summary, the available evidence is currently insufficient to determine the role of this variant in disease. Therefore, it has been classified as a Variant of Uncertain Significance.